The following is an entry in ClinVar:

ClinVar aggregate classification (germline): Pathogenic (1 of 4 stars; one submission).

Conditions:
Hereditary cancer-predisposing syndrome. Also called: Hereditary neoplastic syndrome; Tumor predisposition; Hereditary Cancer Syndrome; Neoplastic Syndromes, Hereditary. Identifiers: Orphanet 140162, MedGen C0027672, MeSH D009386, MONDO:0015356.

Submission:

Color Diagnostics, LLC DBA Color Health
Classification: Pathogenic for Hereditary cancer-predisposing syndrome. Last evaluated: 2020-01-15. Review status: criteria provided, single submitter. Criteria: ACMG Guidelines, 2015. Collection method: clinical testing. Allele origin: germline.
Comment: This variant changes 1 nucleotide in exon 11 of the BRCA2 gene, creating a premature translation stop signal. This variant is expected to result in an absent or non-functional protein product. This variant has not been identified in the general population by the Genome Aggregation Database (gnomAD). Loss of BRCA2 function is a known mechanism of disease. Based on the available evidence, this variant is classified as Pathogenic.

NM_000059.4(BRCA2):c.2279T>G (p.Leu760Ter)

Gene: BRCA2 (BRCA2 DNA repair associated; plus strand). Cytogenetic location: 13q13.1.
Variant type: single nucleotide variant.
Coding change: c.2279T>G on transcript NM_000059.4 (MANE Select); coding-DNA position 2279, T replaced by G.
Protein change: p.Leu760Ter; replaces leucine 760 with a stop codon.
Molecular consequence: nonsense.
Genome position (GRCh38, 1-based): chr13:32,336,634, T>G. VCF-style: chr13-32336634-T-G. GRCh37 (hg19) VCF-style: chr13-32910771-T-G.
Other names: short protein forms L760*.
Identifiers: ClinVar variation 491216 (VCV000491216.4), dbSNP rs757410810, ClinGen allele CA387771129.